The following is an entry in ClinVar:

NM_007186.6(CEP250):c.1301G>C (p.Arg434Thr)

Genes: CEP250 (centrosomal protein 250; plus strand), CEP250-AS1 (CEP250 antisense RNA 1; minus strand). Cytogenetic location: 20q11.22.
Variant type: single nucleotide variant.
Coding change: c.1301G>C on transcript NM_007186.6 (MANE Select); coding-DNA position 1301, G replaced by C.
Protein change: p.Arg434Thr; replaces arginine 434 with threonine.
Molecular consequence: missense variant. On other transcripts: 5 prime UTR variant (1).
Genome position (GRCh38, 1-based): chr20:35,473,465, G>C. VCF-style: chr20-35473465-G-C. GRCh37 (hg19) VCF-style: chr20-34061290-G-C.
Other names: c.-599G>C (NM_001318219.1); c.1301G>C (NM_007186.4, NM_007186.3); short protein forms R434T.
Identifiers: ClinVar variation 956785 (VCV000956785.11), dbSNP rs149028062, ClinGen allele CA9832878.

ClinVar aggregate classification (germline): Uncertain significance. Review status: criteria provided, multiple submitters, no conflicts (2 of 4 stars). 4 submissions from 4 submitters: Uncertain significance (4). Last evaluated 2025-01-06.

Allele frequency attached by ClinVar (database versions not stated): gnomAD 0.00030 and 0.00032; gnomAD exomes 0.00009; ExAC 0.00008; 1000 Genomes Project 0.00020; TOPMed 0.00034; 1000 Genomes Project 30x 0.00031; ESP Exome Variant Server 0.00038.
gnomAD v4.1: 84 of 1,614,222 alleles (0.0052%); highest among the groups gnomAD compares: African/African-American, 0.085%; no homozygotes.

Submissions (4):

Labcorp Genetics (formerly Invitae), Labcorp
Classification: Uncertain significance. Last evaluated: 2025-01-06. Review status: criteria provided, single submitter. Criteria: Invitae Variant Classification Sherloc (09022015). Collection method: clinical testing. Allele origin: germline.
Comment: This sequence change replaces arginine, which is basic and polar, with threonine, which is neutral and polar, at codon 434 of the CEP250 protein (p.Arg434Thr). This variant is present in population databases (rs149028062, gnomAD 0.1%). This variant has not been reported in the literature in individuals affected with CEP250-related conditions. ClinVar contains an entry for this variant (Variation ID: 956785). An algorithm developed to predict the effect of missense changes on protein structure and function (PolyPhen-2) suggests that this variant is likely to be disruptive. In summary, the available evidence is currently insufficient to determine the role of this variant in disease. Therefore, it has been classified as a Variant of Uncertain Significance.

GeneDx
Classification: Uncertain significance. Last evaluated: 2024-12-16. Review status: criteria provided, single submitter. Criteria: GeneDx Variant Classification Process June 2021. Collection method: clinical testing. Allele origin: germline. Affected: yes.
Comment: In silico analysis indicates that this missense variant does not alter protein structure/function; Has not been previously published as pathogenic or benign to our knowledge

Ambry Genetics
Classification: Uncertain significance. Last evaluated: 2024-10-11. Review status: criteria provided, single submitter. Criteria: Ambry Variant Classification Scheme 2023. Collection method: clinical testing. Allele origin: germline.

Blueprint Genetics
Classification: Uncertain significance. Last evaluated: 2022-01-04. Review status: criteria provided, single submitter. Criteria: ACMG Guidelines, 2015. Collection method: clinical testing. Allele origin: germline.